The following is an entry in ClinVar:

ClinVar aggregate classification (germline): Uncertain significance (1 of 4 stars; one submission).

Conditions:
Muscular dystrophy-dystroglycanopathy (congenital with brain and eye anomalies), type A, 7. Also called: WALKER-WARBURG SYNDROME OR MUSCLE-EYE-BRAIN DISEASE, ISPD-RELATED; Congenital muscular dystrophy-dystroglycanopathy with brain and eye anomalies, type A7. Identifiers: Orphanet 899, MedGen C3553330, MONDO:0013835, OMIM 614643.
Autosomal recessive limb-girdle muscular dystrophy type 2U. Also called: Muscular dystrophy-dystroglycanopathy (limb-girdle), type c, 7; MUSCULAR DYSTROPHY, LIMB-GIRDLE, TYPE 2U. Identifiers: Orphanet 352479, MedGen C5190987, MONDO:0014474, OMIM 616052.

Submission:

Labcorp Genetics (formerly Invitae), Labcorp
Classification: Uncertain significance for Muscular dystrophy-dystroglycanopathy (congenital with brain and eye anomalies), type A, 7; Autosomal recessive limb-girdle muscular dystrophy type 2U. Last evaluated: 2025-10-02. Review status: criteria provided, single submitter. Criteria: Invitae Variant Classification Sherloc (09022015). Collection method: clinical testing. Allele origin: germline.
Comment: This sequence change replaces leucine, which is neutral and non-polar, with serine, which is neutral and polar, at codon 408 of the ISPD protein (p.Leu408Ser). This variant is not present in population databases (gnomAD no frequency). This variant has not been reported in the literature in individuals affected with ISPD-related conditions. ClinVar contains an entry for this variant (Variation ID: 3749918). An algorithm developed to predict the effect of missense changes on protein structure and function (PolyPhen-2) suggests that this variant is likely to be disruptive. In summary, the available evidence is currently insufficient to determine the role of this variant in disease. Therefore, it has been classified as a Variant of Uncertain Significance.

NM_001101426.4(CRPPA):c.1223T>C (p.Leu408Ser)

Genes: CRPPA (CDP-L-ribitol pyrophosphorylase A; minus strand), CRPPA-AS1 (CRPPA antisense RNA 1; plus strand). Cytogenetic location: 7p21.2.
Variant type: single nucleotide variant.
Coding change: c.1223T>C on transcript NM_001101426.4 (MANE Select); coding-DNA position 1223, T replaced by C.
Protein change: p.Leu408Ser; replaces leucine 408 with serine.
Molecular consequence: missense variant. On other transcripts: non-coding transcript variant (1).
Genome position (GRCh38, 1-based): chr7:16,216,094, A>G on the plus strand (T>C on the coding strand, the complement: CRPPA is on the minus strand). VCF-style: chr7-16216094-A-G. GRCh37 (hg19) VCF-style: chr7-16255719-A-G.
Other names: c.1073T>C, p.Leu358Ser (NM_001101417.4); c.1118T>C, p.Leu373Ser (NM_001368197.1); short protein forms L358S, L373S, L408S.
Identifiers: ClinVar variation 3749918 (VCV003749918.2).